The following is an entry in ClinVar:

ClinVar aggregate classification (germline): Uncertain significance (1 of 4 stars; one submission).

Conditions:
Fanconi anemia complementation group J. Also called: BRIP1-Related Fanconi Anemia. Identifiers: Orphanet 84, MedGen C1836860, MONDO:0012187, OMIM 609054.
Familial cancer of breast. Also called: BREAST CANCER, FAMILIAL; Hereditary breast cancer; hereditary breast carcinoma. Identifiers: Orphanet 227535, MedGen C0346153, MONDO:0016419, OMIM 114480. Disease mechanism: loss of function.

gnomAD v4.1: 1 of 1,613,578 alleles (0.000062%); highest among the groups gnomAD compares: Non-Finnish European, 0.000085%; no homozygotes.

Submission:

Labcorp Genetics (formerly Invitae), Labcorp
Classification: Uncertain significance for Familial cancer of breast; Fanconi anemia complementation group J. Last evaluated: 2024-09-10. Review status: criteria provided, single submitter. Criteria: Invitae Variant Classification Sherloc (09022015). Collection method: clinical testing. Allele origin: germline.
Comment: This sequence change replaces alanine, which is neutral and non-polar, with serine, which is neutral and polar, at codon 1182 of the BRIP1 protein (p.Ala1182Ser). This variant is not present in population databases (gnomAD no frequency). This variant has not been reported in the literature in individuals affected with BRIP1-related conditions. An algorithm developed to predict the effect of missense changes on protein structure and function (PolyPhen-2) suggests that this variant is likely to be tolerated. In summary, the available evidence is currently insufficient to determine the role of this variant in disease. Therefore, it has been classified as a Variant of Uncertain Significance.

NM_032043.3(BRIP1):c.3544G>T (p.Ala1182Ser)

Gene: BRIP1 (BRCA1 interacting DNA helicase 1; minus strand). Cytogenetic location: 17q23.2.
Variant type: single nucleotide variant.
Coding change: c.3544G>T on transcript NM_032043.3 (MANE Select); coding-DNA position 3544, G replaced by T.
Protein change: p.Ala1182Ser; replaces alanine 1182 with serine.
Molecular consequence: missense variant.
Genome position (GRCh38, 1-based): chr17:61,683,502, C>A on the plus strand (G>T on the coding strand, the complement: BRIP1 is on the minus strand). VCF-style: chr17-61683502-C-A. GRCh37 (hg19) VCF-style: chr17-59760863-C-A.
Other names: short protein forms A1182S.
Identifiers: ClinVar variation 3758530 (VCV003758530.2).